The following is an entry in ClinVar:

NM_052947.4(ALPK2):c.2878G>A (p.Gly960Ser)

Gene: ALPK2 (alpha kinase 2; minus strand). Cytogenetic location: 18q21.31.
Variant type: single nucleotide variant.
Coding change: c.2878G>A on transcript NM_052947.4 (MANE Select); coding-DNA position 2878, G replaced by A.
Protein change: p.Gly960Ser; replaces glycine 960 with serine.
Molecular consequence: missense variant.
Genome position (GRCh38, 1-based): chr18:58,537,309, C>T on the plus strand (G>A on the coding strand, the complement: ALPK2 is on the minus strand). VCF-style: chr18-58537309-C-T. GRCh37 (hg19) VCF-style: chr18-56204541-C-T.
Other names: short protein forms G960S.
Identifiers: ClinVar variation 1797124 (VCV001797124.3), dbSNP rs769269536, ClinGen allele CA8977000.

ClinVar aggregate classification (germline): Uncertain significance (1 of 4 stars; one submission).

Allele frequency attached by ClinVar (database versions not stated): gnomAD exomes below 0.00001; TOPMed below 0.00001; ExAC 0.00001; gnomAD 0.00002.

Submission:

Ambry Genetics
Classification: Uncertain significance. Last evaluated: 2024-04-01. Review status: criteria provided, single submitter. Criteria: Ambry Variant Classification Scheme 2023. Collection method: clinical testing. Allele origin: germline.
Comment: The p.G960S variant (also known as c.2878G>A), located in coding exon 4 of the ALPK2 gene, results from a G to A substitution at nucleotide position 2878. The glycine at codon 960 is replaced by serine, an amino acid with similar properties. This amino acid position is conserved. In addition, this alteration is predicted to be tolerated by in silico analysis. Since supporting evidence is limited at this time, the clinical significance of this alteration remains unclear.